The following is an entry in ClinVar:

NM_006904.7(PRKDC):c.6611G>A (p.Gly2204Glu)

Gene: PRKDC (protein kinase, DNA-activated, catalytic subunit; minus strand). Cytogenetic location: 8q11.21.
Variant type: single nucleotide variant.
Coding change: c.6611G>A on transcript NM_006904.7 (MANE Select); coding-DNA position 6611, G replaced by A.
Protein change: p.Gly2204Glu; replaces glycine 2204 with glutamic acid.
Molecular consequence: missense variant.
Genome position (GRCh38, 1-based): chr8:47,855,372, C>T on the plus strand (G>A on the coding strand, the complement: PRKDC is on the minus strand). VCF-style: chr8-47855372-C-T. GRCh37 (hg19) VCF-style: chr8-48767933-C-T.
Other names: c.6611G>A, p.Gly2204Glu (NM_001081640.2); short protein forms G2204E.
Identifiers: ClinVar variation 3680504 (VCV003680504.2).
Genomic context (GRCh38, chr8:47,855,372, plus strand): 5'-AAGACATGTTTCATTAGGAAATTAAGCAATCGATTTGCTAACACTTCATCTTTAGGGACC[C>T]CCTGAAAAGGTACAGAAATTCTGTATTAATATGCGGCATTCCATTCTGGAAAGCATTTTT-3'
Protein context (NP_008835.5, residues 2194-2214): LSWTGLATPT[Gly2204Glu]VPKDEVLANR

ClinVar aggregate classification (germline): Uncertain significance (1 of 4 stars; one submission).

Conditions:
Severe combined immunodeficiency due to DNA-PKcs deficiency. Also called: IMMUNODEFICIENCY 26 WITH NEUROLOGIC ABNORMALITIES; Immunodeficiency 26 with or without neurologic abnormalities. Identifiers: Orphanet 317425, MedGen C4014833, MONDO:0014423, OMIM 615966.

Submission:

Labcorp Genetics (formerly Invitae), Labcorp
Classification: Uncertain significance for Severe combined immunodeficiency due to DNA-PKcs deficiency. Last evaluated: 2024-11-18. Review status: criteria provided, single submitter. Criteria: Invitae Variant Classification Sherloc (09022015). Collection method: clinical testing. Allele origin: germline.
Comment: This sequence change replaces glycine, which is neutral and non-polar, with glutamic acid, which is acidic and polar, at codon 2204 of the PRKDC protein (p.Gly2204Glu). This variant is not present in population databases (gnomAD no frequency). This variant has not been reported in the literature in individuals affected with PRKDC-related conditions. Experimental studies and prediction algorithms are not available or were not evaluated, and the functional significance of this variant is currently unknown. In summary, the available evidence is currently insufficient to determine the role of this variant in disease. Therefore, it has been classified as a Variant of Uncertain Significance.